The following is an entry in ClinVar:

NM_000037.4(ANK1):c.5250C>G (p.Tyr1750Ter)

Gene: ANK1 (ankyrin 1; minus strand). Cytogenetic location: 8p11.21.
Variant type: single nucleotide variant.
Coding change: c.5250C>G on transcript NM_000037.4 (MANE Select); coding-DNA position 5250, C replaced by G.
Protein change: p.Tyr1750Ter; replaces tyrosine 1750 with a stop codon.
Molecular consequence: nonsense.
Genome position (GRCh38, 1-based): chr8:41,668,411, G>C on the plus strand (C>G on the coding strand, the complement: ANK1 is on the minus strand). VCF-style: chr8-41668411-G-C. GRCh37 (hg19) VCF-style: chr8-41525929-G-C.
Other names: p.Tyr1750*; c.5373C>G, p.Tyr1791Ter (NM_001142446.2); c.5250C>G, p.Tyr1750Ter (NM_020475.3, NM_020476.3); c.4764C>G, p.Tyr1588Ter (NM_020477.3); short protein forms Y1588*, Y1750*, Y1791*.
Identifiers: ClinVar variation 4541354 (VCV004541354.2).

ClinVar aggregate classification (germline): Likely pathogenic. Review status: criteria provided, multiple submitters, no conflicts (2 of 4 stars). 2 submissions from 2 submitters: Likely pathogenic (2). Last evaluated 2025-06-10.

Conditions:
ANK1-related disorder. Also called: ANK1-related condition.

Submissions (2):

Mayo Clinic Laboratories, Mayo Clinic
Classification: Likely pathogenic. Last evaluated: 2025-06-10. Review status: criteria provided, single submitter. Criteria: ACMG Guidelines, 2015. Collection method: clinical testing. Allele origin: germline. Observed: 1 variant allele.
Comment: PM2_supporting, PVS1

Blueprint Genetics
Classification: Likely pathogenic for ANK1-related disorders. Last evaluated: 2021-03-05. Review status: criteria provided, single submitter. Criteria: ACMG Guidelines, 2015. Collection method: clinical testing. Allele origin: germline. Affected: yes. Observed: 1 variant allele.